The following is an entry in ClinVar:

NM_031935.3(HMCN1):c.13435T>G (p.Ser4479Ala)

Gene: HMCN1 (hemicentin 1; plus strand). Cytogenetic location: 1q31.1.
Variant type: single nucleotide variant.
Coding change: c.13435T>G on transcript NM_031935.3 (MANE Select); coding-DNA position 13435, T replaced by G.
Protein change: p.Ser4479Ala; replaces serine 4479 with alanine.
Molecular consequence: missense variant.
Genome position (GRCh38, 1-based): chr1:186,136,790, T>G. VCF-style: chr1-186136790-T-G. GRCh37 (hg19) VCF-style: chr1-186105922-T-G.
Other names: short protein forms S4479A.
Identifiers: ClinVar variation 1953153 (VCV001953153.5), dbSNP rs200250641, ClinGen allele CA1294660.
Genomic context (GRCh38, chr1:186,136,790, plus strand): 5'-TTGAATTGTCAGGCAACTGGAGAGCCTCAACCAACCATTACATGGTCCCGTCAAGGGCAC[T>G]CTATTTCCTGGGATGACCGGGTTAACGTGTTGTCCAACAACTCATTATATATTGCTGATG-3'
Protein context (NP_114141.2, residues 4469-4489): PTITWSRQGH[Ser4479Ala]ISWDDRVNVL

ClinVar aggregate classification (germline): Uncertain significance (1 of 4 stars; one submission).

Allele frequency attached by ClinVar (database versions not stated): gnomAD 0.00001; TOPMed 0.00001; ExAC 0.00002; gnomAD exomes 0.00002.
gnomAD v4.1: 33 of 1,613,922 alleles (0.002%); highest among the groups gnomAD compares: Non-Finnish European, 0.0027%; no homozygotes.

Submission:

Labcorp Genetics (formerly Invitae), Labcorp
Classification: Uncertain significance. Last evaluated: 2024-01-29. Review status: criteria provided, single submitter. Criteria: Invitae Variant Classification Sherloc (09022015). Collection method: clinical testing. Allele origin: germline.
Comment: This sequence change replaces serine, which is neutral and polar, with alanine, which is neutral and non-polar, at codon 4479 of the HMCN1 protein (p.Ser4479Ala). This variant is present in population databases (rs200250641, gnomAD 0.002%). This variant has not been reported in the literature in individuals affected with HMCN1-related conditions. ClinVar contains an entry for this variant (Variation ID: 1953153). Algorithms developed to predict the effect of missense changes on protein structure and function output the following: SIFT: "Not Available"; PolyPhen-2: "Benign"; Align-GVGD: "Not Available". The alanine amino acid residue is found in multiple mammalian species, which suggests that this missense change does not adversely affect protein function. In summary, the available evidence is currently insufficient to determine the role of this variant in disease. Therefore, it has been classified as a Variant of Uncertain Significance.